The following is an entry in ClinVar:

ClinVar aggregate classification (germline): Likely benign (1 of 4 stars; one submission).

gnomAD v4.1: 688 of 1,612,120 alleles (0.043%); highest among the groups gnomAD compares: African/African-American, 0.83%; 6 homozygotes.

Submission:

CeGaT Center for Human Genetics Tuebingen
Classification: Likely benign. Last evaluated: 2025-07-01. Review status: criteria provided, single submitter. Criteria: CeGaT Center For Human Genetics Tuebingen Variant Classification Criteria Version 2. Collection method: clinical testing. Allele origin: germline. Affected: yes. Observed: 1 variant allele.
Comment: ATAD3A: BP4, BS1

NM_001170535.3(ATAD3A):c.751-6C>T

Gene: ATAD3A (ATPase family AAA domain containing 3A; plus strand). Cytogenetic location: 1p36.33.
Variant type: single nucleotide variant.
Coding change: c.751-6C>T on transcript NM_001170535.3 (MANE Select); 6 bases into the intron before coding-DNA position 751, C replaced by T.
Molecular consequence: intron variant.
Genome position (GRCh38, 1-based): chr1:1,522,738, C>T. VCF-style: chr1-1522738-C-T. GRCh37 (hg19) VCF-style: chr1-1458118-C-T.
Other names: c.895-6C>T (NM_018188.5); c.514-6C>T (NM_001170536.3).
Identifiers: ClinVar variation 4083848 (VCV004083848.8).
Genomic context (GRCh38, chr1:1,522,738, plus strand): 5'-GCGTCTCCTGCTCTAAGAGGGAGGGACGGTGGGGGCCGGTGCGCCAGTGCGGTGTCTCTG[C>T]TGCAGGTGGCTGGGCTGACGCTGCTGGCTGTTGGGGTCTACTCAGCCAAGAATGCCACGC-3'